The following is an entry in ClinVar:

NM_007186.6(CEP250):c.5639G>A (p.Arg1880Gln)

Gene: CEP250 (centrosomal protein 250; plus strand). Cytogenetic location: 20q11.22.
Variant type: single nucleotide variant.
Coding change: c.5639G>A on transcript NM_007186.6 (MANE Select); coding-DNA position 5639, G replaced by A.
Protein change: p.Arg1880Gln; replaces arginine 1880 with glutamine.
Molecular consequence: missense variant.
Genome position (GRCh38, 1-based): chr20:35,504,008, G>A. VCF-style: chr20-35504008-G-A. GRCh37 (hg19) VCF-style: chr20-34091836-G-A.
Other names: c.3743G>A, p.Arg1248Gln (NM_001318219.1); short protein forms R1880Q, R1248Q.
Identifiers: ClinVar variation 1357545 (VCV001357545.6), dbSNP rs770264607, ClinGen allele CA9833906.

ClinVar aggregate classification (germline): Uncertain significance (1 of 4 stars; one submission).

Allele frequency attached by ClinVar (database versions not stated): gnomAD 0.00001; gnomAD exomes 0.00002; TOPMed 0.00002; ExAC 0.00003.

Submission:

Labcorp Genetics (formerly Invitae), Labcorp
Classification: Uncertain significance. Last evaluated: 2024-05-29. Review status: criteria provided, single submitter. Criteria: Invitae Variant Classification Sherloc (09022015). Collection method: clinical testing. Allele origin: germline.
Comment: This sequence change replaces arginine, which is basic and polar, with glutamine, which is neutral and polar, at codon 1880 of the CEP250 protein (p.Arg1880Gln). This variant is present in population databases (rs770264607, gnomAD 0.009%). This variant has not been reported in the literature in individuals affected with CEP250-related conditions. ClinVar contains an entry for this variant (Variation ID: 1357545). Algorithms developed to predict the effect of missense changes on protein structure and function output the following: SIFT: "Not Available"; PolyPhen-2: "Benign"; Align-GVGD: "Not Available". The glutamine amino acid residue is found in multiple mammalian species, which suggests that this missense change does not adversely affect protein function. In summary, the available evidence is currently insufficient to determine the role of this variant in disease. Therefore, it has been classified as a Variant of Uncertain Significance.